The following is an entry in ClinVar:

NM_030962.4(SBF2):c.*20C>G

Genes: SBF2 (SET binding factor 2; minus strand), SBF2-AS1 (SBF2 antisense RNA 1; plus strand). Cytogenetic location: 11p15.4.
Variant type: single nucleotide variant.
Coding change: c.*20C>G on transcript NM_030962.4 (MANE Select); 20 bases downstream of the stop codon, C replaced by G.
Molecular consequence: 3 prime UTR variant.
Genome position (GRCh38, 1-based): chr11:9,780,398, G>C on the plus strand (C>G on the coding strand, the complement: SBF2 is on the minus strand). VCF-style: chr11-9780398-G-C. GRCh37 (hg19) VCF-style: chr11-9801945-G-C.
Other names: c.*20C>G (NM_001386339.1, NM_001386342.1).
Identifiers: ClinVar variation 388939 (VCV000388939.1), dbSNP rs1057523279, ClinGen allele CA16607035.

ClinVar aggregate classification (germline): Likely benign (1 of 4 stars; one submission).

Submission:

GeneDx
Classification: Likely benign. Last evaluated: 2016-08-30. Review status: criteria provided, single submitter. Criteria: GeneDx Variant Classification (06012015). Collection method: clinical testing. Allele origin: germline. Affected: yes.
Comment: This variant is considered likely benign or benign based on one or more of the following criteria: it is a conservative change, it occurs at a poorly conserved position in the protein, it is predicted to be benign by multiple in silico algorithms, and/or has population frequency not consistent with disease.